The following is an entry in ClinVar:

NM_001040142.2(SCN2A):c.4097del (p.Cys1366fs)

Gene: SCN2A (sodium voltage-gated channel alpha subunit 2; plus strand). Cytogenetic location: 2q24.3.
Variant type: Deletion.
Coding change: c.4097del on transcript NM_001040142.2 (MANE Select); coding-DNA position 4097, one base deleted (G; older notation c.4097delG).
Protein change: p.Cys1366fs; shifts the reading frame from cysteine 1366.
Molecular consequence: frameshift variant.
Genome position (GRCh38, 1-based): chr2:165,374,809, G deleted. VCF-style (leftmost placement, unchanged base first): chr2-165374808-TG-T. GRCh37 (hg19) VCF-style: chr2-166231318-TG-T.
Other names: c.4097del, p.Cys1366fs (NM_001040143.2, NM_001371246.1, NM_001371247.1 and 1 more transcripts); short protein forms C1366fs.
Identifiers: ClinVar variation 4832957 (VCV004832957.1).

ClinVar aggregate classification (germline): Pathogenic (1 of 4 stars; one submission).

Conditions:
Inborn genetic diseases. Identifiers: MedGen C0950123, MeSH D030342.

Submission:

Ambry Genetics
Classification: Pathogenic for Inborn genetic diseases. Last evaluated: 2025-12-15. Review status: criteria provided, single submitter. Criteria: Ambry Variant Classification Scheme 2023. Collection method: clinical testing. Allele origin: germline.
Comment: The c.4097delG alteration, located in exon 22 (coding exon 21) of the SCN2A gene, consists of a deletion of one nucleotide at position 4097, causing a translational frameshift with a predicted alternate stop codon after 12 amino acids. This alteration is expected to result in loss of function by premature protein truncation or nonsense-mediated mRNA decay. for SCN2A-related neurodevelopmental disorder; however, its clinical significance for SCN2A-related developmental and epileptic encephalopathy and SCN2A-related benign familial infantile seizures is uncertain. This variant was not reported in population-based cohorts in the Genome Aggregation Database (gnomAD). Based on the available evidence, this alteration is classified as pathogenic.